The following is an entry in ClinVar:

ClinVar aggregate classification (germline): Benign/Likely benign. Review status: criteria provided, multiple submitters, no conflicts (2 of 4 stars). 9 submissions from 9 submitters: Benign (3); Likely benign (5). 1 of the submissions does not count toward it. Last evaluated 2026-02-03.

Conditions:
POLD1-related disorder. Also called: POLD1-related condition; POLD1-related disorders.
POLD1-related polyposis and colorectal cancer syndrome (CRCS10). Also called: Colorectal cancer 10; COLORECTAL CANCER, SUSCEPTIBILITY TO, ON CHROMOSOME 19q; Colorectal cancer, susceptibility to, 10. Identifiers: Orphanet 220460, MedGen C2675481, MONDO:0012953, OMIM 612591.
Hereditary cancer-predisposing syndrome. Also called: Tumor predisposition; Hereditary Cancer Syndrome; Neoplastic Syndromes, Hereditary; Hereditary neoplastic syndrome. Identifiers: Orphanet 140162, MedGen C0027672, MeSH D009386, MONDO:0015356.

Allele frequency attached by ClinVar (database versions not stated): gnomAD 0.00007; TOPMed 0.00007.

Submissions (9):

Labcorp Genetics (formerly Invitae), Labcorp
Classification: Likely benign for POLD1-related polyposis and colorectal cancer syndrome. Last evaluated: 2026-02-03. Review status: criteria provided, single submitter. Criteria: Invitae Variant Classification Sherloc (09022015). Collection method: clinical testing. Allele origin: germline.

Myriad Genetics, Inc.
Classification: Benign for POLD1-related polyposis and colorectal cancer syndrome. Last evaluated: 2025-02-05. Review status: criteria provided, single submitter. Criteria: Myriad Autosomal Dominant, Autosomal Recessive and X-Linked Classification Criteria (2023). Collection method: clinical testing. Allele origin: unknown.
Comment: This variant is considered benign. This variant is a silent/synonymous amino acid change and it is not expected to impact splicing.

Blueprint Genetics
Classification: Likely benign. Last evaluated: 2022-09-16. Review status: criteria provided, single submitter. Criteria: ACMG Guidelines, 2015. Collection method: clinical testing. Allele origin: germline.

Quest Diagnostics Nichols Institute San Juan Capistrano
Classification: Benign. Last evaluated: 2022-09-10. Review status: criteria provided, single submitter. Criteria: Quest Diagnostics criteria. Collection method: clinical testing. Allele origin: unknown.

CeGaT Center for Human Genetics Tuebingen
Classification: Likely benign. Last evaluated: 2022-08-01. Review status: criteria provided, single submitter. Criteria: CeGaT Center For Human Genetics Tuebingen Variant Classification Criteria Version 2. Collection method: clinical testing. Allele origin: germline. Affected: yes. Observed: 1 variant allele.
Comment: POLD1: BP4, BP7

Sema4
Classification: Benign for Hereditary cancer-predisposing syndrome. Last evaluated: 2021-04-19. Review status: criteria provided, single submitter. Criteria: Sema4 Curation Guidelines. Collection method: curation. Allele origin: germline.

GeneDx
Classification: Likely benign. Last evaluated: 2020-01-25. Review status: criteria provided, single submitter. Criteria: GeneDx Variant Classification Process June 2021. Collection method: clinical testing. Allele origin: germline. Affected: yes.

Ambry Genetics
Classification: Likely benign for Hereditary cancer-predisposing syndrome. Last evaluated: 2015-09-30. Review status: criteria provided, single submitter. Criteria: Ambry Variant Classification Scheme 2023. Collection method: clinical testing. Allele origin: germline.

PreventionGenetics, part of Exact Sciences
Classification: Likely benign for POLD1-related condition. Last evaluated: 2019-07-09. Review status: no assertion criteria provided. Collection method: clinical testing. Allele origin: germline. Not counted in ClinVar's aggregate classification.
Comment: This variant is classified as likely benign based on ACMG/AMP sequence variant interpretation guidelines (Richards et al. 2015 PMID: 25741868, with internal and published modifications).

NM_002691.4(POLD1):c.1062G>A (p.Ala354=)

Gene: POLD1 (DNA polymerase delta 1, catalytic subunit; plus strand). Cytogenetic location: 19q13.33.
Variant type: single nucleotide variant.
Coding change: c.1062G>A on transcript NM_002691.4 (MANE Select); coding-DNA position 1062, G replaced by A.
Protein change: p.Ala354=; no amino-acid change (alanine 354 retained).
Molecular consequence: synonymous variant. On other transcripts: non-coding transcript variant (1).
Genome position (GRCh38, 1-based): chr19:50,403,144, G>A. VCF-style: chr19-50403144-G-A. GRCh37 (hg19) VCF-style: chr19-50906401-G-A.
Other names: c.1062G>A, p.Ala354= (NM_001256849.1, NM_001308632.1).
Identifiers: ClinVar variation 239219 (VCV000239219.42), dbSNP rs758535338, ClinGen allele CA10583822.